The following is an entry in ClinVar:

ClinVar aggregate classification (germline): Likely pathogenic (1 of 4 stars; one submission).

Conditions:
Rubinstein-Taybi syndrome due to CREBBP mutations (RSTS1). Also called: BROAD THUMB-HALLUX SYNDROME; RUBINSTEIN SYNDROME; RUBINSTEIN-TAYBI SYNDROME 1, INCOMPLETE; Rubinstein-Taybi syndrome 1; BROAD THUMBS AND GREAT TOES, CHARACTERISTIC FACIES, AND IMPAIRED INTELLECTUAL DEVELOPMENT; CREBBP-Related Rubinstein-Taybi Syndrome. Identifiers: Orphanet 353277, Orphanet 783, MedGen C4551859, MONDO:0008393, OMIM 180849.

Submission:

UAEU Genomics Laboratory, United Arab Emirates University
Classification: Likely pathogenic for Rubinstein-Taybi syndrome due to CREBBP mutations. Last evaluated: 2024-01-23. Review status: criteria provided, single submitter. Criteria: ACMG Guidelines, 2015. Collection method: research. Allele origin: germline. Affected: yes. Observed: 1 variant allele.
Comment: PM2, PVS1

NM_004380.3(CREBBP):c.1741dup (p.Ala581fs)

Genes: CREBBP (CREB binding lysine acetyltransferase; minus strand), LOC130058353 (ATAC-STARR-seq lymphoblastoid active region 10333; plus strand). Cytogenetic location: 16p13.3.
Variant type: Duplication.
Coding change: c.1741dup on transcript NM_004380.3 (MANE Select); coding-DNA position 1741, one base duplicated (G; older notation c.1741dupG).
Protein change: p.Ala581fs; shifts the reading frame from alanine 581.
Molecular consequence: frameshift variant.
Genome position (GRCh38, 1-based): chr16:3,780,814, C duplicated on the plus strand (G on the coding strand, the reverse complement: CREBBP is on the minus strand). VCF-style (leftmost placement, unchanged base first): chr16-3780813-G-GC. GRCh37 (hg19) VCF-style: chr16-3830814-G-GC.
Other names: c.1627dup, p.Ala543fs (NM_001079846.1); c.1741dupG (NM_004380.3); short protein forms A543fs, A581fs.
Identifiers: ClinVar variation 5042547 (VCV005042547.1).